The following is an entry in ClinVar:

ClinVar aggregate classification (germline): Uncertain significance. Review status: criteria provided, multiple submitters, no conflicts (2 of 4 stars). 3 submissions from 3 submitters: Uncertain significance (3). Last evaluated 2025-09-22.

Allele frequency attached by ClinVar (database versions not stated): ExAC 0.00005; ESP Exome Variant Server 0.00015; 1000 Genomes Project 0.00020; gnomAD exomes 0.00004; TOPMed 0.00006; gnomAD 0.00009; 1000 Genomes Project 30x 0.00016.
gnomAD v4.1: 69 of 1,614,070 alleles (0.0043%); highest among the groups gnomAD compares: African/African-American, 0.027%; no homozygotes.

Submissions (3):

Ambry Genetics
Classification: Uncertain significance. Last evaluated: 2025-09-22. Review status: criteria provided, single submitter. Criteria: Ambry Variant Classification Scheme 2023. Collection method: clinical testing. Allele origin: germline.

Labcorp Genetics (formerly Invitae), Labcorp
Classification: Uncertain significance. Last evaluated: 2024-01-02. Review status: criteria provided, single submitter. Criteria: Invitae Variant Classification Sherloc (09022015). Collection method: clinical testing. Allele origin: germline.
Comment: This sequence change replaces arginine, which is basic and polar, with glutamine, which is neutral and polar, at codon 443 of the KIF1BP protein (p.Arg443Gln). This variant is present in population databases (rs377744293, gnomAD 0.03%). This variant has not been reported in the literature in individuals affected with KIF1BP-related conditions. ClinVar contains an entry for this variant (Variation ID: 1803316). An algorithm developed to predict the effect of missense changes on protein structure and function (PolyPhen-2) suggests that this variant is likely to be tolerated. In summary, the available evidence is currently insufficient to determine the role of this variant in disease. Therefore, it has been classified as a Variant of Uncertain Significance.

GeneDx
Classification: Uncertain significance. Last evaluated: 2022-06-07. Review status: criteria provided, single submitter. Criteria: GeneDx Variant Classification Process June 2021. Collection method: clinical testing. Allele origin: germline. Affected: yes.
Comment: In silico analysis supports that this missense variant does not alter protein structure/function; Has not been previously published as pathogenic or benign to our knowledge

NM_015634.4(KIFBP):c.1328G>A (p.Arg443Gln)

Gene: KIFBP (kinesin family binding protein; plus strand). Cytogenetic location: 10q22.1.
Variant type: single nucleotide variant.
Coding change: c.1328G>A on transcript NM_015634.4 (MANE Select); coding-DNA position 1328, G replaced by A.
Protein change: p.Arg443Gln; replaces arginine 443 with glutamine.
Molecular consequence: missense variant.
Genome position (GRCh38, 1-based): chr10:69,015,878, G>A. VCF-style: chr10-69015878-G-A. GRCh37 (hg19) VCF-style: chr10-70775634-G-A.
Other names: short protein forms R443Q.
Identifiers: ClinVar variation 1803316 (VCV001803316.6), dbSNP rs377744293, ClinGen allele CA5529888.